The following is an entry in ClinVar:

ClinVar aggregate classification (germline): Uncertain significance. Review status: criteria provided, multiple submitters, no conflicts (2 of 4 stars). 2 submissions from 2 submitters: Uncertain significance (2). Last evaluated 2022-07-19.

Conditions:
3M syndrome 1. Also called: 3-M Syndrome, CUL7-Related. Identifiers: Orphanet 2616, MedGen C2678312, MONDO:0010117, OMIM 273750.

Allele frequency attached by ClinVar (database versions not stated): gnomAD 0.00002 and 0.00003; ESP Exome Variant Server 0.00008; TOPMed 0.00009; 1000 Genomes Project 30x 0.00016; 1000 Genomes Project 0.00020.
gnomAD v4.1: 75 of 1,613,874 alleles (0.0046%); highest among the groups gnomAD compares: East Asian, 0.02%; no homozygotes.

Submissions (2):

Labcorp Genetics (formerly Invitae), Labcorp
Classification: Uncertain significance. Last evaluated: 2022-07-19. Review status: criteria provided, single submitter. Criteria: Invitae Variant Classification Sherloc (09022015). Collection method: clinical testing. Allele origin: germline.
Comment: In summary, the available evidence is currently insufficient to determine the role of this variant in disease. Therefore, it has been classified as a Variant of Uncertain Significance. Algorithms developed to predict the effect of missense changes on protein structure and function output the following: SIFT: "Tolerated"; PolyPhen-2: "Benign"; Align-GVGD: "Class C0". The histidine amino acid residue is found in multiple mammalian species, which suggests that this missense change does not adversely affect protein function. ClinVar contains an entry for this variant (Variation ID: 911483). This variant has not been reported in the literature in individuals affected with CUL7-related conditions. This variant is present in population databases (rs142250046, gnomAD 0.01%). This sequence change replaces arginine, which is basic and polar, with histidine, which is basic and polar, at codon 1027 of the CUL7 protein (p.Arg1027His).

Illumina Laboratory Services, Illumina
Classification: Uncertain significance for 3M syndrome 1. Last evaluated: 2018-03-23. Review status: criteria provided, single submitter. Criteria: ICSL Variant Classification Criteria 13 December 2019. Collection method: clinical testing. Allele origin: germline.

NM_014780.5(CUL7):c.3080G>A (p.Arg1027His)

Gene: CUL7 (cullin 7; minus strand). Cytogenetic location: 6p21.1.
Variant type: single nucleotide variant.
Coding change: c.3080G>A on transcript NM_014780.5 (MANE Select); coding-DNA position 3080, G replaced by A.
Protein change: p.Arg1027His; replaces arginine 1027 with histidine.
Molecular consequence: missense variant.
Genome position (GRCh38, 1-based): chr6:43,044,844, C>T on the plus strand (G>A on the coding strand, the complement: CUL7 is on the minus strand). VCF-style: chr6-43044844-C-T. GRCh37 (hg19) VCF-style: chr6-43012582-C-T.
Other names: c.3176G>A, p.Arg1059His (NM_001168370.2, NM_001374872.1); c.3080G>A, p.Arg1027His (NM_001374873.1, NM_001374874.1); short protein forms R1027H, R1059H.
Identifiers: ClinVar variation 911483 (VCV000911483.6), dbSNP rs142250046, ClinGen allele CA3813588.